The following is an entry in ClinVar:

NM_006136.3(CAPZA2):c.103+1G>A

Gene: CAPZA2 (capping actin protein of muscle Z-line subunit alpha 2; plus strand). Cytogenetic location: 7q31.2.
Variant type: single nucleotide variant.
Coding change: c.103+1G>A on transcript NM_006136.3 (MANE Select); the canonical splice donor site of the intron after coding-DNA position 103, G replaced by A.
Molecular consequence: splice donor variant.
Genome position (GRCh38, 1-based): chr7:116,888,191, G>A. VCF-style: chr7-116888191-G-A. GRCh37 (hg19) VCF-style: chr7-116528245-G-A.
Identifiers: ClinVar variation 4532056 (VCV004532056.1).
Genomic context (GRCh38, chr7:116,888,191, plus strand): 5'-GTATAGCAGCAAAATTCATCATTCATGCCCCTCCTGGAGAATTTAATGAGGTTTTCAATG[G>A]TGAGTGTTTGATTTATAACACTAGGCTTGATATATCAAGCCCTCTTTTTAAAAGAAAACC-3'

ClinVar aggregate classification (germline): Uncertain significance (1 of 4 stars; one submission).

Conditions:
Neurodevelopmental disorder. Identifiers: MedGen C1535926, MeSH D065886, MONDO:0700092.

Submission:

Victorian Clinical Genetics Services, Murdoch Childrens Research Institute
Classification: Uncertain significance for Neurodevelopmental disorder. Last evaluated: 2024-12-23. Review status: criteria provided, single submitter. Criteria: ACMG Guidelines, 2015. Collection method: clinical testing. Allele origin: germline. Affected: yes.
Comment: This variant is classified as VUS-3A. Evidence in support of pathogenic classification: Canonical splice site variant without proven consequence on splicing (no functional evidence available); Variant is absent from gnomAD (v2, v3 and v4); Abnormal splicing is predicted by in silico tool and affected nucleotide is highly conserved; Additional information: This variant is heterozygous; This gene is associated with autosomal dominant disease; This variant has no previous evidence of pathogenicity; No published segregation evidence has been identified for this variant; No published functional evidence has been identified for this variant; No comparable splice site variants have previous evidence for pathogenicity; The mechanism of disease for this gene is not clearly established. Dominant negative and loss of function have both been suggested as mechanisms of disease (PMIDs: 32338762, 38374166).

Literature cited by the submitters: PubMed 32338762; PubMed 38374166.